The following is an entry in ClinVar:

NM_001982.4(ERBB3):c.3391G>A (p.Ala1131Thr)

Gene: ERBB3 (erb-b2 receptor tyrosine kinase 3; plus strand). Cytogenetic location: 12q13.2.
Variant type: single nucleotide variant.
Coding change: c.3391G>A on transcript NM_001982.4 (MANE Select); coding-DNA position 3391, G replaced by A.
Protein change: p.Ala1131Thr; replaces alanine 1131 with threonine.
Molecular consequence: missense variant.
Genome position (GRCh38, 1-based): chr12:56,101,250, G>A. VCF-style: chr12-56101250-G-A. GRCh37 (hg19) VCF-style: chr12-56495034-G-A.
Other names: short protein forms A1131T.
Identifiers: ClinVar variation 790660 (VCV000790660.29), dbSNP rs150312718, ClinGen allele CA6622936.

ClinVar aggregate classification (germline): Benign/Likely benign. Review status: criteria provided, multiple submitters, no conflicts (2 of 4 stars). 4 submissions from 4 submitters: Benign (2); Likely benign (1). 1 of the submissions does not count toward it. Last evaluated 2022-12-01.

Conditions:
ERBB3-related disorder. Also called: ERBB3-related condition.

Allele frequency attached by ClinVar (database versions not stated): gnomAD exomes 0.00027 and 0.00078; ExAC 0.00097; 1000 Genomes Project 30x 0.00250; gnomAD 0.00256 and 0.00275; 1000 Genomes Project 0.00280; TOPMed 0.00296; ESP Exome Variant Server 0.00315.
gnomAD v4.1: 781 of 1,614,046 alleles (0.048%); highest among the groups gnomAD compares: African/African-American, 0.94%; 9 homozygotes.

Submissions (4):

CeGaT Center for Human Genetics Tuebingen
Classification: Likely benign. Last evaluated: 2022-12-01. Review status: criteria provided, single submitter. Criteria: CeGaT Center For Human Genetics Tuebingen Variant Classification Criteria Version 2. Collection method: clinical testing. Allele origin: germline. Affected: yes. Observed: 1 variant allele.
Comment: ERBB3: BS2

Labcorp Genetics (formerly Invitae), Labcorp
Classification: Benign. Last evaluated: 2019-12-31. Review status: criteria provided, single submitter. Criteria: Invitae Variant Classification Sherloc (09022015). Collection method: clinical testing. Allele origin: germline.

Breakthrough Genomics
Classification: Benign. Review status: criteria provided, single submitter. Criteria: ACMG Guidelines, 2015. Collection method: not provided. Allele origin: germline. Inheritance: Autosomal recessive inheritance. Affected: yes.

PreventionGenetics, part of Exact Sciences
Classification: Likely benign for ERBB3-related condition. Last evaluated: 2024-03-15. Review status: no assertion criteria provided. Collection method: clinical testing. Allele origin: germline. Not counted in ClinVar's aggregate classification.
Comment: This variant is classified as likely benign based on ACMG/AMP sequence variant interpretation guidelines (Richards et al. 2015 PMID: 25741868, with internal and published modifications).